The following continues an entry in ClinVar:

NM_000059.3(BRCA2):c.2808_2811del (p.Ala938Profs)

Gene: BRCA2. ClinVar aggregate classification (germline): Pathogenic. Pathogenic (1).

Literature cited by the submitters, continued: PubMed 29310832 (cited by Quest Diagnostics Nichols Institute San Juan Capistrano); PubMed 29335924 (cited by Quest Diagnostics Nichols Institute San Juan Capistrano); PubMed 29435039 (cited by Quest Diagnostics Nichols Institute San Juan Capistrano); PubMed 29470806 (cited by Quest Diagnostics Nichols Institute San Juan Capistrano); PubMed 29566657 (cited by Quest Diagnostics Nichols Institute San Juan Capistrano); PubMed 29625052 (cited by Quest Diagnostics Nichols Institute San Juan Capistrano); PubMed 29752822 (cited by Quest Diagnostics Nichols Institute San Juan Capistrano); PubMed 29907814 (cited by Quest Diagnostics Nichols Institute San Juan Capistrano); PubMed 30014164 (cited by Quest Diagnostics Nichols Institute San Juan Capistrano); PubMed 30078507 (cited by Quest Diagnostics Nichols Institute San Juan Capistrano); PubMed 30093976 (cited by Quest Diagnostics Nichols Institute San Juan Capistrano); PubMed 30199306 (cited by Quest Diagnostics Nichols Institute San Juan Capistrano); PubMed 30217213 (cited by Quest Diagnostics Nichols Institute San Juan Capistrano); PubMed 30322717 (cited by Quest Diagnostics Nichols Institute San Juan Capistrano); PubMed 30652428 (cited by Quest Diagnostics Nichols Institute San Juan Capistrano); PubMed 30702160 (cited by Quest Diagnostics Nichols Institute San Juan Capistrano); PubMed 30720863 (cited by Quest Diagnostics Nichols Institute San Juan Capistrano); PubMed 30875412 (cited by Quest Diagnostics Nichols Institute San Juan Capistrano); PubMed 31090900 (cited by Quest Diagnostics Nichols Institute San Juan Capistrano); PubMed 31432501 (cited by Quest Diagnostics Nichols Institute San Juan Capistrano); PubMed 31447099 (cited by Quest Diagnostics Nichols Institute San Juan Capistrano); PubMed 31589614 (cited by Quest Diagnostics Nichols Institute San Juan Capistrano); PubMed 31742824 (cited by Quest Diagnostics Nichols Institute San Juan Capistrano); PubMed 31825140 (cited by Quest Diagnostics Nichols Institute San Juan Capistrano); PubMed 31921681 (cited by Quest Diagnostics Nichols Institute San Juan Capistrano); PubMed 31957001 (cited by Quest Diagnostics Nichols Institute San Juan Capistrano); PubMed 31980526 (cited by Quest Diagnostics Nichols Institute San Juan Capistrano); PubMed 32029870 (cited by Quest Diagnostics Nichols Institute San Juan Capistrano); PubMed 32039725 (cited by Quest Diagnostics Nichols Institute San Juan Capistrano); PubMed 32132887 (cited by Quest Diagnostics Nichols Institute San Juan Capistrano); PubMed 32318955 (cited by Quest Diagnostics Nichols Institute San Juan Capistrano); PubMed 32341426 (cited by Quest Diagnostics Nichols Institute San Juan Capistrano); PubMed 32719484 (cited by Quest Diagnostics Nichols Institute San Juan Capistrano); PubMed 32853339 (cited by Quest Diagnostics Nichols Institute San Juan Capistrano and Laboratory for Molecular Medicine, Mass General Brigham Personalized Medicine); PubMed 32854451 (cited by Quest Diagnostics Nichols Institute San Juan Capistrano and Laboratory for Molecular Medicine, Mass General Brigham Personalized Medicine); PubMed 32885271 (cited by Quest Diagnostics Nichols Institute San Juan Capistrano); PubMed 33087929 (cited by Quest Diagnostics Nichols Institute San Juan Capistrano); PubMed 33891299 (cited by Quest Diagnostics Nichols Institute San Juan Capistrano); PubMed 8524414 (cited by 3 submitters); PubMed 26295337 (cited by Quest Diagnostics Nichols Institute San Juan Capistrano); PubMed 25682074 (cited by Department of Genomics, ADN Uruguay); PubMed 23199084 (cited by Laboratory for Molecular Medicine, Mass General Brigham Personalized Medicine); PubMed 36329109 (cited by Genetics Program, Instituto Nacional de Cancer); PubMed 19241424 (cited by Women's Health and Genetics/Laboratory Corporation of America, LabCorp); PubMed 24884479 (cited by Clinical and Functional Genomics Group, A.C.Camargo Cancer Center); PubMed 36988593 (cited by Laboratory for Genotyping Development, RIKEN); PubMed 38922859 (cited by Molecular Oncology, Hospital Universitario Central de Asturias (HUCA)); PubMed 32295079 (cited by CZECANCA consortium).